The following is an entry in ClinVar:

ClinVar aggregate classification (germline): Conflicting classifications of pathogenicity. Review status: criteria provided, conflicting classifications (1 of 4 stars). 10 submissions from 10 submitters: Uncertain significance (2); Benign (1); Likely benign (6). 1 of the submissions does not count toward it. Last evaluated 2026-09-01.

Conditions:
LPIN2-related disorder. Also called: LPIN2-related condition.
Autoinflammatory syndrome. Identifiers: Orphanet 93665, MedGen C3890737, MONDO:0019751.
Majeed syndrome (MJDS). Also called: LPIN2-Related Majeed Syndrome; CHRONIC RECURRENT MULTIFOCAL OSTEOMYELITIS 1, WITH CONGENITAL DYSERYTHROPOIETIC ANEMIA, WITH OR WITHOUT NEUTROPHILIC DERMATOSIS. Identifiers: Orphanet 77297, MedGen C1864997, MONDO:0012316, OMIM 609628.

Allele frequency attached by ClinVar (database versions not stated): ESP Exome Variant Server 0.00015; TOPMed 0.00023; 1000 Genomes Project 30x 0.00141; ExAC 0.00147; 1000 Genomes Project 0.00180.
gnomAD v4.1: 1,298 of 1,614,118 alleles (0.08%); highest among the groups gnomAD compares: South Asian, 0.92%; 16 homozygotes.

Submissions (10):

CeGaT Center for Human Genetics Tuebingen
Classification: Likely benign. Last evaluated: 2026-09-01. Review status: criteria provided, single submitter. Criteria: CeGaT Center For Human Genetics Tuebingen Variant Classification Criteria Version 2. Collection method: clinical testing. Allele origin: germline. Affected: yes. Observed: 7 variant alleles.
Comment: LPIN2: BS2

Women's Health and Genetics/Laboratory Corporation of America, LabCorp
Classification: Likely benign. Last evaluated: 2026-04-01. Review status: criteria provided, single submitter. Criteria: LabCorp Variant Classification Summary - May 2015. Collection method: clinical testing. Allele origin: germline.
Comment: Variant summary: LPIN2 c.2621G>T (p.Cys874Phe) results in a non-conservative amino acid change in the encoded protein sequence. Algorithms developed to predict the effect of missense changes on protein structure and function are either unavailable or do not agree on the potential impact of this missense change. The variant allele was found at a frequency of 0.0014 in 251274 control chromosomes, predominantly at a frequency of 0.0091 within the South Asian subpopulation in the gnomAD database, including 3 homozygotes. The observed variant frequency within South Asian control individuals in the gnomAD database exceeds the estimated maximal expected allele frequency for disease-causing variants in LPIN2. To our knowledge, no occurrence of c.2621G>T in individuals affected with LPIN2-related conditions and no experimental evidence demonstrating its impact on protein function have been reported. ClinVar contains an entry for this variant (Variation ID: 234343). Based on the evidence outlined above, the variant was classified as likely benign.

Labcorp Genetics (formerly Invitae), Labcorp
Classification: Benign for Majeed syndrome. Last evaluated: 2026-01-23. Review status: criteria provided, single submitter. Criteria: Invitae Variant Classification Sherloc (09022015). Collection method: clinical testing. Allele origin: germline.

Blueprint Genetics
Classification: Likely benign. Last evaluated: 2024-11-27. Review status: criteria provided, single submitter. Criteria: ACMG Guidelines, 2015. Collection method: clinical testing. Allele origin: germline.

Genome Diagnostics Laboratory, The Hospital for Sick Children
Classification: Likely benign for Autoinflammatory syndrome. Last evaluated: 2022-03-17. Review status: criteria provided, single submitter. Criteria: ACMG Guidelines, 2015. Collection method: clinical testing. Allele origin: germline. Affected: yes.

ARUP Laboratories, Molecular Genetics and Genomics, ARUP Laboratories
Classification: Uncertain significance for Majeed syndrome. Last evaluated: 2021-09-13. Review status: criteria provided, single submitter. Criteria: ARUP Molecular Germline Variant Investigation Process 2021. Collection method: clinical testing. Allele origin: germline.
Comment: The LPIN2 c.2621G>T; p.Cys874Phe variant (rs201160155), to our knowledge, is not reported in the medical literature or gene-specific databases. The variant is reported in the ClinVar database (Variation ID: 234343) and in the South Asian population with an allele frequency of 0.9% (280/30614 alleles, including 3 homozygotes) in the Genome Aggregation database. This is a missense variant in a moderately conserved amino acid and computational analyses are uncertain whether this variant is neutral or deleterious (REVEL: 0.362). While the high population frequency suggests that this is likely a benign variant, given the lack of clinical and functional data, the significance of the p.Cys874Phe variant is uncertain at this time.

GeneDx
Classification: Likely benign. Last evaluated: 2019-12-11. Review status: criteria provided, single submitter. Criteria: GeneDx Variant Classification Process June 2021. Collection method: clinical testing. Allele origin: germline. Affected: yes.

Fulgent Genetics
Classification: Uncertain significance for Majeed syndrome. Last evaluated: 2018-10-31. Review status: criteria provided, single submitter. Criteria: ACMG Guidelines, 2015. Collection method: clinical testing. Allele origin: unknown.

Illumina Laboratory Services, Illumina
Classification: Likely benign for Majeed syndrome. Last evaluated: 2018-01-13. Review status: criteria provided, single submitter. Criteria: ICSL Variant Classification Criteria 13 December 2019. Collection method: clinical testing. Allele origin: germline.
Comment: This variant was observed in the ICSL laboratory as part of a predisposition screen in an ostensibly healthy population. It had not been previously curated by ICSL or reported in the Human Gene Mutation Database (HGMD: prior to June 1st, 2018), and was therefore a candidate for classification through an automated scoring system. Utilizing variant allele frequency, disease prevalence and penetrance estimates, and inheritance mode, an automated score was calculated to assess if this variant is too frequent to cause the disease. Based on the score and internal cut-off values, a variant classified as likely benign is not then subjected to further curation. The score for this variant resulted in a classification of likely benign for this disease.

PreventionGenetics, part of Exact Sciences
Classification: Benign for LPIN2-related condition. Last evaluated: 2020-06-26. Review status: no assertion criteria provided. Collection method: clinical testing. Allele origin: germline. Not counted in ClinVar's aggregate classification.
Comment: This variant is classified as benign based on ACMG/AMP sequence variant interpretation guidelines (Richards et al. 2015 PMID: 25741868, with internal and published modifications).

NM_001375808.2(LPIN2):c.2621G>T (p.Cys874Phe)

Gene: LPIN2 (lipin 2; minus strand). Cytogenetic location: 18p11.31.
Variant type: single nucleotide variant.
Coding change: c.2621G>T on transcript NM_001375808.2 (MANE Select); coding-DNA position 2621, G replaced by T.
Protein change: p.Cys874Phe; replaces cysteine 874 with phenylalanine.
Molecular consequence: missense variant.
Genome position (GRCh38, 1-based): chr18:2,920,363, C>A on the plus strand (G>T on the coding strand, the complement: LPIN2 is on the minus strand). VCF-style: chr18-2920363-C-A. GRCh37 (hg19) VCF-style: chr18-2920361-C-A.
Other names: c.2621G>T, p.Cys874Phe (NM_001375809.1, NM_014646.2); short protein forms C874F.
Identifiers: ClinVar variation 234343 (VCV000234343.68), dbSNP rs201160155, ClinGen allele CA8872654.